The following is an entry in ClinVar:

ClinVar aggregate classification (germline): Uncertain significance (1 of 4 stars; one submission).

Conditions:
Glycine encephalopathy. Also called: Nonketotic hyperglycinemia; Non-ketotic hyperglycinemia. Identifiers: Orphanet 407, MedGen C0751748, MONDO:0011612, HP:0008288.

gnomAD v4.1: 1 of 1,611,110 alleles (0.000062%); highest among the groups gnomAD compares: Non-Finnish European, 0.000085%; no homozygotes.

Submission:

Labcorp Genetics (formerly Invitae), Labcorp
Classification: Uncertain significance for Glycine encephalopathy. Last evaluated: 2023-06-07. Review status: criteria provided, single submitter. Criteria: Invitae Variant Classification Sherloc (09022015). Collection method: clinical testing. Allele origin: germline.
Comment: This sequence change replaces arginine, which is basic and polar, with lysine, which is basic and polar, at codon 353 of the GLDC protein (p.Arg353Lys). This variant also falls at the last nucleotide of exon 7, which is part of the consensus splice site for this exon. In summary, the available evidence is currently insufficient to determine the role of this variant in disease. Therefore, it has been classified as a Variant of Uncertain Significance. Variants that disrupt the consensus splice site are a relatively common cause of aberrant splicing (PMID: 17576681, 9536098). Algorithms developed to predict the effect of sequence changes on RNA splicing suggest that this variant may disrupt the consensus splice site. An algorithm developed to predict the effect of missense changes on protein structure and function (PolyPhen-2) suggests that this variant is likely to be tolerated. This missense change has been observed in individual(s) with glycine encephalopathy (Invitae). This variant is not present in population databases (gnomAD no frequency).

Literature cited by the submitters: PubMed 17576681; PubMed 9536098.

NM_000170.3(GLDC):c.1058G>A (p.Arg353Lys)

Gene: GLDC (glycine decarboxylase; minus strand). Cytogenetic location: 9p24.1.
Variant type: single nucleotide variant.
Coding change: c.1058G>A on transcript NM_000170.3 (MANE Select); coding-DNA position 1058, G replaced by A.
Protein change: p.Arg353Lys; replaces arginine 353 with lysine.
Molecular consequence: missense variant.
Genome position (GRCh38, 1-based): chr9:6,604,588, C>T on the plus strand (G>A on the coding strand, the complement: GLDC is on the minus strand). VCF-style: chr9-6604588-C-T. GRCh37 (hg19) VCF-style: chr9-6604588-C-T.
Other names: short protein forms R353K.
Identifiers: ClinVar variation 2759863 (VCV002759863.3), dbSNP rs2489102798, ClinGen allele CA372895245.